The following is an entry in ClinVar:

NM_032043.3(BRIP1):c.2905+5G>A

Gene: BRIP1 (BRCA1 interacting DNA helicase 1; minus strand). Cytogenetic location: 17q23.2.
Variant type: single nucleotide variant.
Coding change: c.2905+5G>A on transcript NM_032043.3 (MANE Select); 5 bases into the intron after coding-DNA position 2905, G replaced by A.
Molecular consequence: intron variant.
Genome position (GRCh38, 1-based): chr17:61,685,831, C>T on the plus strand (G>A on the coding strand, the complement: BRIP1 is on the minus strand). VCF-style: chr17-61685831-C-T. GRCh37 (hg19) VCF-style: chr17-59763192-C-T.
Identifiers: ClinVar variation 2002564 (VCV002002564.4), dbSNP rs1567730970, ClinGen allele CA400481067.

ClinVar aggregate classification (germline): Uncertain significance (1 of 4 stars; one submission).

Conditions:
Familial cancer of breast. Also called: BREAST CANCER, FAMILIAL; Hereditary breast cancer; hereditary breast carcinoma. Identifiers: Orphanet 227535, MedGen C0346153, MONDO:0016419, OMIM 114480. Disease mechanism: loss of function.
Fanconi anemia complementation group J. Also called: BRIP1-Related Fanconi Anemia. Identifiers: Orphanet 84, MedGen C1836860, MONDO:0012187, OMIM 609054.

Allele frequency attached by ClinVar (database versions not stated): gnomAD exomes below 0.00001.
gnomAD v4.1: 1 of 1,602,008 alleles (0.000062%); highest among the groups gnomAD compares: Non-Finnish European, 0.000085%; no homozygotes.

Submission:

Labcorp Genetics (formerly Invitae), Labcorp
Classification: Uncertain significance for Familial cancer of breast; Fanconi anemia complementation group J. Last evaluated: 2022-06-06. Review status: criteria provided, single submitter. Criteria: Invitae Variant Classification Sherloc (09022015). Collection method: clinical testing. Allele origin: germline.
Comment: In summary, the available evidence is currently insufficient to determine the role of this variant in disease. Therefore, it has been classified as a Variant of Uncertain Significance. Variants that disrupt the consensus splice site are a relatively common cause of aberrant splicing (PMID: 17576681, 9536098). Algorithms developed to predict the effect of sequence changes on RNA splicing suggest that this variant may disrupt the consensus splice site. This variant has not been reported in the literature in individuals affected with BRIP1-related conditions. This variant is not present in population databases (gnomAD no frequency). This sequence change falls in intron 19 of the BRIP1 gene. It does not directly change the encoded amino acid sequence of the BRIP1 protein. It affects a nucleotide within the consensus splice site.

Literature cited by the submitters: PubMed 17576681; PubMed 9536098.